The following is an entry in ClinVar:

NM_018975.4(TERF2IP):c.140T>G (p.Leu47Arg)

Gene: TERF2IP (TERF2 interacting protein; plus strand). Cytogenetic location: 16q23.1.
Variant type: single nucleotide variant.
Coding change: c.140T>G on transcript NM_018975.4 (MANE Select); coding-DNA position 140, T replaced by G.
Protein change: p.Leu47Arg; replaces leucine 47 with arginine.
Molecular consequence: missense variant. On other transcripts: non-coding transcript variant (1).
Genome position (GRCh38, 1-based): chr16:75,648,022, T>G. VCF-style: chr16-75648022-T-G. GRCh37 (hg19) VCF-style: chr16-75681920-T-G.
Other names: short protein forms L47R.
Identifiers: ClinVar variation 3455095 (VCV003455095.1).

ClinVar aggregate classification (germline): Uncertain significance (1 of 4 stars; one submission).

Submission:

Ambry Genetics
Classification: Uncertain significance. Last evaluated: 2024-07-05. Review status: criteria provided, single submitter. Criteria: Ambry Variant Classification Scheme 2023. Collection method: clinical testing. Allele origin: germline.
Comment: The p.L47R variant (also known as c.140T>G), located in coding exon 1 of the TERF2IP gene, results from a T to G substitution at nucleotide position 140. The leucine at codon 47 is replaced by arginine, an amino acid with dissimilar properties. This amino acid position is conserved. In addition, this alteration is predicted to be tolerated by in silico analysis. Based on the available evidence, the clinical significance of this variant remains unclear.